The following is an entry in ClinVar:

ClinVar aggregate classification (germline): Likely pathogenic (1 of 4 stars; one submission).

Conditions:
Marfan syndrome (MFS). Also called: MARFAN SYNDROME, TYPE I; FBN1-Related Marfan Syndrome; Marfan syndrome type 1; Marfan's syndrome; Marfan syndrome, classic. Identifiers: Orphanet 284963, Orphanet 558, MedGen C0024796, MONDO:0007947, OMIM 154700.
Familial thoracic aortic aneurysm and aortic dissection (TAAD). Also called: Thoracic aortic aneurysms and dissections. Identifiers: Orphanet 91387, MedGen C4707243, MONDO:0019625.

Submission:

Labcorp Genetics (formerly Invitae), Labcorp
Classification: Likely pathogenic for Marfan syndrome; Familial thoracic aortic aneurysm and aortic dissection. Last evaluated: 2017-04-03. Review status: criteria provided, single submitter. Criteria: Invitae Variant Classification Sherloc (09022015). Collection method: clinical testing. Allele origin: germline.
Comment: In summary, this variant is a novel missense change affecting a residue crucial for protein stability and function. Although additional genetic data will be necessary to further confirm pathogenicity for this variant, cysteine substitutions located in FBN1 EGF-like domains are likely deleterious. For these reasons, this variant has been classified as Likely Pathogenic. This variant affects a cysteine residue located within an epidermal-growth-factor (EGF)–like domain of the FBN1 protein. Cysteine residues in these domains have been shown to be involved in the formation of disulfide bridges, which are critical for FBN1 protein structure and stability (PMID: 10486319, 3495735, 4750422, 16677079). In addition, missense substitutions within the FBN1 EGF-like domains affecting cysteine residues are significantly overrepresented among individuals with Marfan syndrome (PMID: 16571647, 17701892). This variant is not present in population databases (ExAC no frequency). This sequence change replaces cysteine with glycine at codon 1942 of the FBN1 protein (p.Cys1942Gly). The cysteine residue is highly conserved and there is a large physicochemical difference between cysteine and glycine.

Literature cited by the submitters: PubMed 10486319; PubMed 3495735; PubMed 4750422; PubMed 16677079; PubMed 16571647; PubMed 17701892.

NM_000138.5(FBN1):c.5824T>G (p.Cys1942Gly)

Gene: FBN1 (fibrillin 1; minus strand). Cytogenetic location: 15q21.1.
Variant type: single nucleotide variant.
Coding change: c.5824T>G on transcript NM_000138.5 (MANE Select); coding-DNA position 5824, T replaced by G.
Protein change: p.Cys1942Gly; replaces cysteine 1942 with glycine.
Molecular consequence: missense variant.
Genome position (GRCh38, 1-based): chr15:48,445,469, A>C on the plus strand (T>G on the coding strand, the complement: FBN1 is on the minus strand). VCF-style: chr15-48445469-A-C. GRCh37 (hg19) VCF-style: chr15-48737666-A-C.
Other names: short protein forms C1942G.
Identifiers: ClinVar variation 457237 (VCV000457237.8), dbSNP rs1555395762, ClinGen allele CA392340125.